The following is an entry in ClinVar:

ClinVar aggregate classification (germline): Benign/Likely benign. Review status: criteria provided, multiple submitters, no conflicts (2 of 4 stars). 4 submissions from 4 submitters: Benign (2); Likely benign (1). 1 of the submissions does not count toward it. Last evaluated 2024-10-18.

Conditions:
L1CAM-related disorder. Also called: L1CAM-related condition.
Inborn genetic diseases. Identifiers: MedGen C0950123, MeSH D030342.
Spastic paraplegia. Identifiers: MedGen C0037772, HP:0001258.

Allele frequency attached by ClinVar (database versions not stated): gnomAD exomes 0.00008 and 0.00004; ExAC 0.00010; gnomAD 0.00001.
gnomAD v4.1: 51 of 1,210,601 alleles (0.0042%); highest among the groups gnomAD compares: South Asian, 0.069%; no homozygotes.

Submissions (4):

Labcorp Genetics (formerly Invitae), Labcorp
Classification: Benign for Spastic paraplegia. Last evaluated: 2024-10-18. Review status: criteria provided, single submitter. Criteria: Invitae Variant Classification Sherloc (09022015). Collection method: clinical testing. Allele origin: germline.

Ambry Genetics
Classification: Benign for Inborn genetic diseases. Last evaluated: 2019-02-08. Review status: criteria provided, single submitter. Criteria: Ambry Variant Classification Scheme 2023. Collection method: clinical testing. Allele origin: germline.

Genetic Services Laboratory, University of Chicago
Classification: Likely benign. Last evaluated: 2016-10-12. Review status: criteria provided, single submitter. Criteria: ACMG Guidelines, 2015. Collection method: clinical testing. Allele origin: germline. Affected: no.

PreventionGenetics, part of Exact Sciences
Classification: Likely benign for L1CAM-related condition. Last evaluated: 2020-04-07. Review status: no assertion criteria provided. Collection method: clinical testing. Allele origin: germline. Not counted in ClinVar's aggregate classification.
Comment: This variant is classified as likely benign based on ACMG/AMP sequence variant interpretation guidelines (Richards et al. 2015 PMID: 25741868, with internal and published modifications).

NM_001278116.2(L1CAM):c.3642C>T (p.Ser1214=)

Gene: L1CAM (L1 cell adhesion molecule; minus strand). Cytogenetic location: Xq28.
Variant type: single nucleotide variant.
Coding change: c.3642C>T on transcript NM_001278116.2 (MANE Select); coding-DNA position 3642, C replaced by T.
Protein change: p.Ser1214=; no amino-acid change (serine 1214 retained).
Molecular consequence: synonymous variant.
Genome position (GRCh38, 1-based): chrX:153,862,795, G>A on the plus strand (C>T on the coding strand, the complement: L1CAM is on the minus strand). VCF-style: chrX-153862795-G-A. GRCh37 (hg19) VCF-style: chrX-153128250-G-A.
Other names: c.3642C>T, p.Ser1214= (NM_000425.5); c.3615C>T, p.Ser1205= (NM_001143963.2); c.3630C>T, p.Ser1210= (NM_024003.3).
Identifiers: ClinVar variation 435683 (VCV000435683.18), dbSNP rs782341083, ClinGen allele CA10553891.